The following is an entry in ClinVar:

ClinVar aggregate classification (germline): Uncertain significance. Review status: criteria provided, multiple submitters, no conflicts (2 of 4 stars). 4 submissions from 4 submitters: Uncertain significance (3). 1 of the submissions does not count toward it. Last evaluated 2023-05-15.

Conditions:
WDR62-related disorder. Also called: WDR62-related condition.
Microcephaly 2, primary, autosomal recessive, with or without cortical malformations. Also called: MICROCEPHALY 2, PRIMARY, AUTOSOMAL RECESSIVE, WITH CORTICAL MALFORMATIONS; WDR62 Primary Microcephaly. Identifiers: Orphanet 2512, MedGen C1858535, MONDO:0011435, OMIM 604317.

Allele frequency attached by ClinVar (database versions not stated): TOPMed 0.00002; gnomAD 0.00003 and 0.00004; gnomAD exomes 0.00003 and 0.00007; ExAC 0.00009.
gnomAD v4.1: 50 of 1,597,868 alleles (0.0031%); highest among the groups gnomAD compares: Admixed American, 0.0017%; no homozygotes.

Submissions (4):

Mayo Clinic Laboratories, Mayo Clinic
Classification: Uncertain significance. Last evaluated: 2023-05-15. Review status: criteria provided, single submitter. Criteria: ACMG Guidelines, 2015. Collection method: clinical testing. Allele origin: germline. Observed: 1 variant allele.
Comment: BP4

Illumina Laboratory Services, Illumina
Classification: Uncertain significance for Microcephaly 2, primary, autosomal recessive, with or without cortical malformations. Last evaluated: 2018-01-12. Review status: criteria provided, single submitter. Criteria: ICSL Variant Classification Criteria 13 December 2019. Collection method: clinical testing. Allele origin: germline.

Breakthrough Genomics
Classification: Uncertain significance. Review status: criteria provided, single submitter. Criteria: ACMG Guidelines, 2015. Collection method: not provided. Allele origin: germline. Inheritance: Autosomal dominant inheritance. Affected: yes.

PreventionGenetics, part of Exact Sciences
Classification: Likely benign for WDR62-related condition. Last evaluated: 2023-02-15. Review status: no assertion criteria provided. Collection method: clinical testing. Allele origin: germline. Not counted in ClinVar's aggregate classification.
Comment: This variant is classified as likely benign based on ACMG/AMP sequence variant interpretation guidelines (Richards et al. 2015 PMID: 25741868, with internal and published modifications).

NM_001083961.2(WDR62):c.4144C>T (p.Pro1382Ser)

Gene: WDR62 (WD repeat domain 62; plus strand). Cytogenetic location: 19q13.12.
Variant type: single nucleotide variant.
Coding change: c.4144C>T on transcript NM_001083961.2 (MANE Select); coding-DNA position 4144, C replaced by T.
Protein change: p.Pro1382Ser; replaces proline 1382 with serine.
Molecular consequence: missense variant.
Genome position (GRCh38, 1-based): chr19:36,103,972, C>T. VCF-style: chr19-36103972-C-T. GRCh37 (hg19) VCF-style: chr19-36594874-C-T.
Other names: p.Pro1382Ser; c.4129C>T, p.Pro1377Ser (NM_173636.5); short protein forms P1382S, P1377S.
Identifiers: ClinVar variation 328930 (VCV000328930.9), dbSNP rs772768990, ClinGen allele CA9396471.
Genomic context (GRCh38, chr19:36,103,972, plus strand): 5'-AACCCCCAGCTTCCAGAGGCCCGGCCTGGCATCCCTGGCGGCACTGCCTCCCTCCTGGAG[C>T]CCACCTCCGGTGAGTACAGCCCTGGAGCAAGGACTGTCCCCTAAGCTCATCCTGTGTGCT-3'
Protein context (NP_001077430.1, residues 1372-1392): IPGGTASLLE[Pro1382Ser]TSGALGLLQG